The following is an entry in ClinVar:

ClinVar aggregate classification (germline): Uncertain significance. Review status: criteria provided, multiple submitters, no conflicts (2 of 4 stars). 4 submissions from 4 submitters: Uncertain significance (3). 1 of the submissions does not count toward it. Last evaluated 2025-08-05.

Conditions:
INVS-related disorder. Also called: INVS-related condition.
Inborn genetic diseases. Identifiers: MedGen C0950123, MeSH D030342.
Nephronophthisis. Also called: Juvenile Nephronophthisis. Identifiers: Orphanet 655, MedGen C0687120, MONDO:0019005, HP:0000090.
Infantile nephronophthisis (NPHP2). Also called: Nephronophthisis 2; Nephronophthisis 2, infantile. Identifiers: Orphanet 655, Orphanet 93591, MedGen C1865872, MONDO:0011190, OMIM 602088.

Allele frequency attached by ClinVar (database versions not stated): gnomAD exomes 0.00001.
gnomAD v4.1: 66 of 1,613,826 alleles (0.0041%); highest among the groups gnomAD compares: Non-Finnish European, 0.0054%; no homozygotes.

Submissions (4):

Ambry Genetics
Classification: Uncertain significance for Inborn genetic diseases. Last evaluated: 2025-08-05. Review status: criteria provided, single submitter. Criteria: Ambry Variant Classification Scheme 2023. Collection method: clinical testing. Allele origin: germline.

Fulgent Genetics
Classification: Uncertain significance for Infantile nephronophthisis. Last evaluated: 2024-05-28. Review status: criteria provided, single submitter. Criteria: ACMG Guidelines, 2015. Collection method: clinical testing. Allele origin: germline.

Labcorp Genetics (formerly Invitae), Labcorp
Classification: Uncertain significance for Nephronophthisis. Last evaluated: 2023-11-27. Review status: criteria provided, single submitter. Criteria: Invitae Variant Classification Sherloc (09022015). Collection method: clinical testing. Allele origin: germline.
Comment: This sequence change replaces proline, which is neutral and non-polar, with alanine, which is neutral and non-polar, at codon 117 of the INVS protein (p.Pro117Ala). This variant is present in population databases (no rsID available, gnomAD 0.01%). This variant has not been reported in the literature in individuals affected with INVS-related conditions. ClinVar contains an entry for this variant (Variation ID: 1521935). An algorithm developed to predict the effect of missense changes on protein structure and function (PolyPhen-2) suggests that this variant is likely to be disruptive. In summary, the available evidence is currently insufficient to determine the role of this variant in disease. Therefore, it has been classified as a Variant of Uncertain Significance.

PreventionGenetics, part of Exact Sciences
Classification: Uncertain significance for INVS-related condition. Last evaluated: 2024-05-08. Review status: no assertion criteria provided. Collection method: clinical testing. Allele origin: germline. Not counted in ClinVar's aggregate classification.
Comment: The INVS c.349C>G variant is predicted to result in the amino acid substitution p.Pro117Ala. To our knowledge, this variant has not been reported in the literature. This variant is reported in 0.0018% of alleles in individuals of European (Non-Finnish) descent in gnomAD. At this time, the clinical significance of this variant is uncertain due to the absence of conclusive functional and genetic evidence.

NM_014425.5(INVS):c.349C>G (p.Pro117Ala)

Gene: INVS (inversin; plus strand). Cytogenetic location: 9q31.1.
Variant type: single nucleotide variant.
Coding change: c.349C>G on transcript NM_014425.5 (MANE Select); coding-DNA position 349, C replaced by G.
Protein change: p.Pro117Ala; replaces proline 117 with alanine.
Molecular consequence: missense variant. On other transcripts: 5 prime UTR variant (1), non-coding transcript variant (1).
Genome position (GRCh38, 1-based): chr9:100,226,137, C>G. VCF-style: chr9-100226137-C-G. GRCh37 (hg19) VCF-style: chr9-102988419-C-G.
Other names: c.349C>G (NM_014425.4, NM_014425.2); c.61C>G, p.Pro21Ala (NM_001318381.2); c.-641C>G (NM_001318382.2); short protein forms P21A, P117A.
Identifiers: ClinVar variation 1521935 (VCV001521935.9), dbSNP rs1021818693, ClinGen allele CA374359210.